The following is an entry in ClinVar:

NM_017654.4(SAMD9):c.3142G>A (p.Gly1048Arg)

Gene: SAMD9 (sterile alpha motif domain containing 9; minus strand). Cytogenetic location: 7q21.2.
Variant type: single nucleotide variant.
Coding change: c.3142G>A on transcript NM_017654.4 (MANE Select); coding-DNA position 3142, G replaced by A.
Protein change: p.Gly1048Arg; replaces glycine 1048 with arginine.
Molecular consequence: missense variant.
Genome position (GRCh38, 1-based): chr7:93,102,956, C>T on the plus strand (G>A on the coding strand, the complement: SAMD9 is on the minus strand). VCF-style: chr7-93102956-C-T. GRCh37 (hg19) VCF-style: chr7-92732269-C-T.
Other names: c.3142G>A, p.Gly1048Arg (NM_001193307.2); short protein forms G1048R.
Identifiers: ClinVar variation 4994227 (VCV004994227.1).

ClinVar aggregate classification (germline): Likely pathogenic (1 of 4 stars; one submission).

Conditions:
SAMD9-related disorder. Also called: SAMD9-related condition.

Submission:

PreventionGenetics, part of Exact Sciences
Classification: Likely pathogenic for SAMD9-related condition. Last evaluated: 2025-09-10. Review status: criteria provided, single submitter. Criteria: ACMG Guidelines, 2015. Collection method: clinical testing. Allele origin: germline.
Comment: The SAMD9 c.3142G>A variant is predicted to result in the amino acid substitution p.Gly1048Arg. To our knowledge, this variant has not been reported in the literature or in a large population database (gnomAD), indicating this variant is rare. This variant is interpreted as likely pathogenic.